The following is an entry in ClinVar:

ClinVar aggregate classification (germline): Likely benign. Review status: criteria provided, multiple submitters, no conflicts (2 of 4 stars). 2 submissions from 2 submitters: Likely benign (2). Last evaluated 2019-04-10.

Conditions:
COG6-congenital disorder of glycosylation. Also called: CONGENITAL DISORDER OF GLYCOSYLATION, TYPE IIl; CDG IIl; COG6-ongenital disorder of glycosylation; COG6-CGD. Identifiers: Orphanet 464443, MedGen C3553230, MONDO:0013810, OMIM 614576.

Allele frequency attached by ClinVar (database versions not stated): gnomAD 0.00046 and 0.00063; TOPMed 0.00074; 1000 Genomes Project 30x 0.00078; 1000 Genomes Project 0.00080; ExAC 0.00104.
gnomAD v4.1: 980 of 1,550,206 alleles (0.063%); highest among the groups gnomAD compares: East Asian, 2.3%; 15 homozygotes.

Submissions (2):

GeneDx
Classification: Likely benign. Last evaluated: 2019-04-10. Review status: criteria provided, single submitter. Criteria: GeneDx Variant Classification Process June 2021. Collection method: clinical testing. Allele origin: germline. Affected: yes.

Illumina Laboratory Services, Illumina
Classification: Likely benign for COG6-congenital disorder of glycosylation. Last evaluated: 2018-01-13. Review status: criteria provided, single submitter. Criteria: ICSL Variant Classification Criteria 13 December 2019. Collection method: clinical testing. Allele origin: germline.
Comment: This variant was observed in the ICSL laboratory as part of a predisposition screen in an ostensibly healthy population. It had not been previously curated by ICSL or reported in the Human Gene Mutation Database (HGMD: prior to June 1st, 2018), and was therefore a candidate for classification through an automated scoring system. Utilizing variant allele frequency, disease prevalence and penetrance estimates, and inheritance mode, an automated score was calculated to assess if this variant is too frequent to cause the disease. Based on the score and internal cut-off values, a variant classified as likely benign is not then subjected to further curation. The score for this variant resulted in a classification of likely benign for this disease.

NM_020751.3(COG6):c.-53T>G

Gene: COG6 (component of oligomeric golgi complex 6; plus strand). Cytogenetic location: 13q14.11.
Variant type: single nucleotide variant.
Coding change: c.-53T>G on transcript NM_020751.3 (MANE Select); 53 bases upstream of the start codon, T replaced by G.
Molecular consequence: 5 prime UTR variant. On other transcripts: non-coding transcript variant (1).
Genome position (GRCh38, 1-based): chr13:39,655,674, T>G. VCF-style: chr13-39655674-T-G. GRCh37 (hg19) VCF-style: chr13-40229811-T-G.
Other names: c.-53T>G (NM_001145079.2).
Identifiers: ClinVar variation 312125 (VCV000312125.8), dbSNP rs534007509, ClinGen allele CA6958104.
Genomic context (GRCh38, chr13:39,655,674, plus strand): 5'-GACTTCCGGGGCCGATGCGCATGCGCGGCCGATTTGCACATGCGCAATACTCGCGCTGCC[T>G]CCGTGGTCCCTGCCTGGCTGAGGTGGCAGCAGGGGGCGGGACGCGCAGCGCTATGGCAGA-3'